The following is an entry in ClinVar:

ClinVar aggregate classification (germline): Uncertain significance (1 of 4 stars; one submission).

Allele frequency attached by ClinVar (database versions not stated): gnomAD exomes 0.00001; ExAC 0.00002; ESP Exome Variant Server 0.00008.

Submission:

Labcorp Genetics (formerly Invitae), Labcorp
Classification: Uncertain significance. Last evaluated: 2025-06-16. Review status: criteria provided, single submitter. Criteria: Invitae Variant Classification Sherloc (09022015). Collection method: clinical testing. Allele origin: germline.
Comment: This sequence change replaces arginine, which is basic and polar, with tryptophan, which is neutral and slightly polar, at codon 93 of the ICOSLG protein (p.Arg93Trp). This variant is present in population databases (rs370218763, gnomAD 0.003%). This variant has not been reported in the literature in individuals affected with ICOSLG-related conditions. ClinVar contains an entry for this variant (Variation ID: 1421655). An algorithm developed to predict the effect of missense changes on protein structure and function (PolyPhen-2) suggests that this variant is likely to be disruptive. In summary, the available evidence is currently insufficient to determine the role of this variant in disease. Therefore, it has been classified as a Variant of Uncertain Significance.

NM_015259.6(ICOSLG):c.277C>T (p.Arg93Trp)

Gene: ICOSLG (inducible T cell costimulator ligand; minus strand). Cytogenetic location: 21q22.3.
Variant type: single nucleotide variant.
Coding change: c.277C>T on transcript NM_015259.6 (MANE Select); coding-DNA position 277, C replaced by T.
Protein change: p.Arg93Trp; replaces arginine 93 with tryptophan.
Molecular consequence: missense variant. On other transcripts: intron variant (1).
Genome position (GRCh38, 1-based): chr21:44,236,996, G>A on the plus strand (C>T on the coding strand, the complement: ICOSLG is on the minus strand). VCF-style: chr21-44236996-G-A. GRCh37 (hg19) VCF-style: chr21-45656879-G-A.
Other names: c.277C>T, p.Arg93Trp (NM_001283050.2); c.22C>T, p.Arg8Trp (NM_001283052.2); c.196C>T, p.Arg66Trp (NM_001365759.2); c.56-1434C>T (NM_001283051.2); short protein forms R66W, R93W, R8W.
Identifiers: ClinVar variation 1421655 (VCV001421655.6), dbSNP rs370218763, ClinGen allele CA321498204.